The following is an entry in ClinVar:

ClinVar aggregate classification (germline): Benign/Likely benign. Review status: criteria provided, multiple submitters, no conflicts (2 of 4 stars). 5 submissions from 5 submitters: Benign (3); Likely benign (2). Last evaluated 2026-01-25.

Conditions:
Mast syndrome. Also called: SPASTIC PARAPLEGIA 21, AUTOSOMAL RECESSIVE. Identifiers: Orphanet 101001, MedGen C1855346, MONDO:0009568, OMIM 248900.

Allele frequency attached by ClinVar (database versions not stated): gnomAD exomes 0.00030 and 0.00080; ExAC 0.00092; 1000 Genomes Project 0.00319; ESP Exome Variant Server 0.00323; 1000 Genomes Project 30x 0.00328; gnomAD 0.00364 and 0.00396; TOPMed 0.00369.
gnomAD v4.1: 995 of 1,614,180 alleles (0.062%); highest among the groups gnomAD compares: African/African-American, 1.2%; 9 homozygotes.

Submissions (5):

Labcorp Genetics (formerly Invitae), Labcorp
Classification: Benign for Mast syndrome. Last evaluated: 2026-01-25. Review status: criteria provided, single submitter. Criteria: Invitae Variant Classification Sherloc (09022015). Collection method: clinical testing. Allele origin: germline.

Mayo Clinic Laboratories, Mayo Clinic
Classification: Benign. Last evaluated: 2024-01-10. Review status: criteria provided, single submitter. Criteria: ACMG Guidelines, 2015. Collection method: clinical testing. Allele origin: germline. Observed: 2 variant alleles.
Comment: BA1, BS2

GeneDx
Classification: Likely benign. Last evaluated: 2021-02-22. Review status: criteria provided, single submitter. Criteria: GeneDx Variant Classification Process June 2021. Collection method: clinical testing. Allele origin: germline. Affected: yes.

Athena Diagnostics
Classification: Benign. Last evaluated: 2016-12-29. Review status: criteria provided, single submitter. Criteria: Athena Diagnostics Criteria. Collection method: clinical testing. Allele origin: germline.

Breakthrough Genomics
Classification: Likely benign. Review status: criteria provided, single submitter. Criteria: ACMG Guidelines, 2015. Collection method: not provided. Allele origin: germline. Inheritance: Autosomal recessive inheritance. Affected: yes.

NM_016630.7(SPG21):c.318T>C (p.Phe106=)

Gene: SPG21 (SPG21 abhydrolase domain containing, maspardin; minus strand). Cytogenetic location: 15q22.31.
Variant type: single nucleotide variant.
Coding change: c.318T>C on transcript NM_016630.7 (MANE Select); coding-DNA position 318, T replaced by C.
Protein change: p.Phe106=; no amino-acid change (phenylalanine 106 retained).
Molecular consequence: synonymous variant.
Genome position (GRCh38, 1-based): chr15:64,974,736, A>G on the plus strand (T>C on the coding strand, the complement: SPG21 is on the minus strand). VCF-style: chr15-64974736-A-G. GRCh37 (hg19) VCF-style: chr15-65267074-A-G.
Other names: p.Phe106=; c.318T>C, p.Phe106= (NM_001127889.5); c.237T>C, p.Phe79= (NM_001127890.5).
Identifiers: ClinVar variation 415528 (VCV000415528.16), dbSNP rs147236778, ClinGen allele CA7612987.